The following is an entry in ClinVar:

NM_144773.4(PROKR2):c.328G>A (p.Glu110Lys)

Gene: PROKR2 (prokineticin receptor 2; minus strand). Cytogenetic location: 20p12.3.
Variant type: single nucleotide variant.
Coding change: c.328G>A on transcript NM_144773.4 (MANE Select); coding-DNA position 328, G replaced by A.
Protein change: p.Glu110Lys; replaces glutamic acid 110 with lysine.
Molecular consequence: missense variant.
Genome position (GRCh38, 1-based): chr20:5,314,042, C>T on the plus strand (G>A on the coding strand, the complement: PROKR2 is on the minus strand). VCF-style: chr20-5314042-C-T. GRCh37 (hg19) VCF-style: chr20-5294688-C-T.
Other names: short protein forms E110K.
Identifiers: ClinVar variation 898721 (VCV000898721.9), dbSNP rs756998275, ClinGen allele CA408167927.

ClinVar aggregate classification (germline): Uncertain significance. Review status: criteria provided, multiple submitters, no conflicts (2 of 4 stars). 3 submissions from 3 submitters: Uncertain significance (3). Last evaluated 2025-10-20.

Conditions:
Hypogonadotropic hypogonadism 3 with or without anosmia (HH3). Also called: PROKR2-Related GnRH Deficiency (Kallmann Syndrome 3); HYPOGONADOTROPIC HYPOGONADISM 3 WITH ANOSMIA. Identifiers: Orphanet 478, MedGen C3550478, MONDO:0009482, OMIM 244200.

Allele frequency attached by ClinVar (database versions not stated): TOPMed 0.00001.
gnomAD v4.1: 11 of 1,614,200 alleles (0.00068%); highest among the groups gnomAD compares: Admixed American, 0.0033%; no homozygotes.

Submissions (3):

Labcorp Genetics (formerly Invitae), Labcorp
Classification: Uncertain significance. Last evaluated: 2025-10-20. Review status: criteria provided, single submitter. Criteria: Invitae Variant Classification Sherloc (09022015). Collection method: clinical testing. Allele origin: germline.
Comment: This sequence change replaces glutamic acid, which is acidic and polar, with lysine, which is basic and polar, at codon 110 of the PROKR2 protein (p.Glu110Lys). This variant is present in population databases (no rsID available, gnomAD 0.006%). This variant has not been reported in the literature in individuals affected with PROKR2-related conditions. ClinVar contains an entry for this variant (Variation ID: 898721). Invitae Evidence Modeling of protein sequence and biophysical properties (such as structural, functional, and spatial information, amino acid conservation, physicochemical variation, residue mobility, and thermodynamic stability) indicates that this missense variant is not expected to disrupt PROKR2 protein function with a negative predictive value of 80%. In summary, the available evidence is currently insufficient to determine the role of this variant in disease. Therefore, it has been classified as a Variant of Uncertain Significance.

Fulgent Genetics
Classification: Uncertain significance for Hypogonadotropic hypogonadism 3 with or without anosmia. Last evaluated: 2024-03-27. Review status: criteria provided, single submitter. Criteria: ACMG Guidelines, 2015. Collection method: clinical testing. Allele origin: germline.

Illumina Laboratory Services, Illumina
Classification: Uncertain significance for Hypogonadotropic hypogonadism 3 with or without anosmia. Last evaluated: 2018-01-12. Review status: criteria provided, single submitter. Criteria: ICSL Variant Classification Criteria 13 December 2019. Collection method: clinical testing. Allele origin: germline.